The following is an entry in ClinVar:

ClinVar aggregate classification (germline): Pathogenic (1 of 4 stars; one submission).

Conditions:
Cryptosporidiosis-chronic cholangitis-liver disease syndrome. Also called: IL21R immunodeficiency; Immunodeficiency type 56. Identifiers: Orphanet 357329, MedGen C3554687, MONDO:0014082, OMIM 615207.

Submission:

Labcorp Genetics (formerly Invitae), Labcorp
Classification: Pathogenic for Cryptosporidiosis-chronic cholangitis-liver disease syndrome. Last evaluated: 2021-12-22. Review status: criteria provided, single submitter. Criteria: Invitae Variant Classification Sherloc (09022015). Collection method: clinical testing. Allele origin: germline.
Comment: This sequence change creates a premature translational stop signal (p.Tyr156*) in the IL21R gene. It is expected to result in an absent or disrupted protein product. Loss-of-function variants in IL21R are known to be pathogenic (PMID: 23440042). This variant is not present in population databases (gnomAD no frequency). This variant has not been reported in the literature in individuals affected with IL21R-related conditions. Algorithms developed to predict the effect of sequence changes on RNA splicing suggest that this variant may create or strengthen a splice site. For these reasons, this variant has been classified as Pathogenic.

Literature cited by the submitters: PubMed 23440042.

NM_181078.3(IL21R):c.468T>A (p.Tyr156Ter)

Gene: IL21R (interleukin 21 receptor; plus strand). Cytogenetic location: 16p12.1.
Variant type: single nucleotide variant.
Coding change: c.468T>A on transcript NM_181078.3 (MANE Select); coding-DNA position 468, T replaced by A.
Protein change: p.Tyr156Ter; replaces tyrosine 156 with a stop codon.
Molecular consequence: nonsense.
Genome position (GRCh38, 1-based): chr16:27,443,077, T>A. VCF-style: chr16-27443077-T-A. GRCh37 (hg19) VCF-style: chr16-27454398-T-A.
Other names: c.468T>A, p.Tyr156Ter (NM_021798.4); c.534T>A, p.Tyr178Ter (NM_181079.5); short protein forms Y156*, Y178*.
Identifiers: ClinVar variation 2053574 (VCV002053574.4), dbSNP rs2141306468, ClinGen allele CA395302214.